The following is an entry in ClinVar:

NM_025114.4(CEP290):c.3181_3182del (p.Met1061fs)

Gene: CEP290 (centrosomal protein 290; minus strand). Cytogenetic location: 12q21.32.
Variant type: Deletion.
Coding change: c.3181_3182del on transcript NM_025114.4 (MANE Select); coding-DNA positions 3181 to 3182, 2 bases deleted (AT; older notation c.3181_3182delAT).
Protein change: p.Met1061fs; shifts the reading frame from methionine 1061.
Molecular consequence: frameshift variant.
Genome position (GRCh38, 1-based): chr12:88,093,897-88,093,898, AT deleted on the plus strand (AT on the coding strand, the reverse complement: CEP290 is on the minus strand); deleting any 2 consecutive bases within chr12:88,093,897-88,093,899 gives the same sequence; the c. name uses the placement nearest the transcript's 3' end. VCF-style (leftmost placement, unchanged base first): chr12-88093896-CAT-C. GRCh37 (hg19) VCF-style: chr12-88487673-CAT-C.
Other names: c.3181_3182delAT (NM_025114.3); short protein forms M1061fs.
Identifiers: ClinVar variation 236467 (VCV000236467.15), dbSNP rs878853362, ClinGen allele CA10581685.

ClinVar aggregate classification (germline): Pathogenic. Review status: criteria provided, multiple submitters, no conflicts (2 of 4 stars). 6 submissions from 6 submitters: Pathogenic (4). 2 of the submissions do not count toward it. Last evaluated 2022-02-10.

Conditions:
Meckel-Gruber syndrome. Also called: Dysencephalia splachnocystica; DYSENCEPHALIA SPLANCHNOCYSTICA; GRUBER SYNDROME. Identifiers: Orphanet 564, MedGen C0265215, MONDO:0018921.
Joubert syndrome. Also called: JOUBERT-BOLTSHAUSER SYNDROME; Familial aplasia of the vermis. Identifiers: Orphanet 475, MedGen C5979921, MONDO:0018772.
Nephronophthisis. Also called: Juvenile Nephronophthisis. Identifiers: Orphanet 655, MedGen C0687120, MONDO:0019005, HP:0000090.
Retinal dystrophy. Also called: Inherited retinal dystrophy. Identifiers: Orphanet 71862, MedGen C0854723, MeSH D058499, MONDO:0019118, HP:0000556.
Meckel syndrome, type 4 (MKS4). Also called: MECKEL-GRUBER SYNDROME, TYPE 4. Identifiers: Orphanet 564, MedGen C1970161, MONDO:0012626, OMIM 611134.
Joubert syndrome 5 (JBTS5). Identifiers: Orphanet 2318, MedGen C1857780, MONDO:0012432, OMIM 610188.
Leber congenital amaurosis 10 (LCA10). Identifiers: Orphanet 65, MedGen C1857821, MONDO:0012723, OMIM 611755.
Senior-Loken syndrome 6 (SLSN6). Identifiers: Orphanet 3156, MedGen C1857779, MONDO:0012433, OMIM 610189.
Bardet-Biedl syndrome 14 (BBS14). Identifiers: Orphanet 110, MedGen C2673874, MONDO:0014442, OMIM 615991.
Leber congenital amaurosis (LCA). Also called: Leber's amaurosis. Identifiers: Orphanet 65, MedGen C0339527, MeSH D057130, MONDO:0018998.
CEP290-related disorder. Also called: CEP290-related condition; CEP290-related disorders. Identifiers: MedGen CN239314.

Submissions (6):

Fulgent Genetics
Classification: Pathogenic for Joubert syndrome 5; Senior-Loken syndrome 6; Meckel syndrome, type 4; Leber congenital amaurosis 10; Bardet-Biedl syndrome 14. Last evaluated: 2022-02-10. Review status: criteria provided, single submitter. Criteria: ACMG Guidelines, 2015. Collection method: clinical testing. Allele origin: unknown.

Blueprint Genetics
Classification: Pathogenic for CEP290-related disorders. Last evaluated: 2022-01-12. Review status: criteria provided, single submitter. Criteria: ACMG Guidelines, 2015. Collection method: clinical testing. Allele origin: germline. Affected: yes. Observed: 3 variant alleles.

Labcorp Genetics (formerly Invitae), Labcorp
Classification: Pathogenic for Joubert syndrome; Meckel-Gruber syndrome; Nephronophthisis. Last evaluated: 2020-07-09. Review status: criteria provided, single submitter. Criteria: Invitae Variant Classification Sherloc (09022015). Collection method: clinical testing. Allele origin: germline.
Comment: For these reasons, this variant has been classified as Pathogenic. Loss-of-function variants in CEP290 are known to be pathogenic (PMID: 16909394, 17345604, 20690115, 25377065, 28559085). This variant has been observed in individual(s) with Leber congenital amaurosis (PMID: 29178642, 27208204). ClinVar contains an entry for this variant (Variation ID: 236467). This variant is not present in population databases (ExAC no frequency). This sequence change creates a premature translational stop signal (p.Met1061Alafs*8) in the CEP290 gene. It is expected to result in an absent or disrupted protein product.

Juno Genomics, Hangzhou Juno Genomics, Inc
Classification: Pathogenic for Bardet-Biedl syndrome 14; Joubert syndrome 5; Leber congenital amaurosis 10; Meckel syndrome, type 4; Senior-Loken syndrome 6. Review status: criteria provided, single submitter. Criteria: ACMG Guidelines, 2015. Collection method: clinical testing. Allele origin: germline. Affected: yes.
Comment: Absent from controls (or at extremely low frequency if recessive) in Genome Aggregation Database, Exome Sequencing Project, 1000 Genomes Project, or Exome Aggregation Consortium.;Null variant in a gene where loss of function (LOF) is a known mechanism of disease.;For recessive disorders, detected in trans with a pathogenic variant.

Natera, Inc.
Classification: Pathogenic for Leber congenital amaurosis. Last evaluated: 2021-06-10. Review status: no assertion criteria provided. Collection method: clinical testing. Allele origin: germline. Not counted in ClinVar's aggregate classification.

Centre for Genomic Medicine, Manchester, Central Manchester University Hospitals
Classification: Likely pathogenic for Retinal dystrophy. Review status: no assertion criteria provided. Collection method: clinical testing. Allele origin: germline. Affected: yes. Not counted in ClinVar's aggregate classification.

Literature cited by the submitters: PubMed 16909394 (cited by Labcorp Genetics (formerly Invitae), Labcorp); PubMed 17345604 (cited by Labcorp Genetics (formerly Invitae), Labcorp); PubMed 20690115 (cited by Labcorp Genetics (formerly Invitae), Labcorp); PubMed 25377065 (cited by Labcorp Genetics (formerly Invitae), Labcorp); PubMed 28559085 (cited by Labcorp Genetics (formerly Invitae), Labcorp); PubMed 29178642 (cited by Labcorp Genetics (formerly Invitae), Labcorp); PubMed 27208204 (cited by Labcorp Genetics (formerly Invitae), Labcorp).